The following is an entry in ClinVar:

ClinVar aggregate classification (germline): Likely pathogenic (1 of 4 stars; one submission).

Submission:

GeneDx
Classification: Likely pathogenic. Last evaluated: 2025-04-29. Review status: criteria provided, single submitter. Criteria: GeneDx Variant Classification Process June 2021. Collection method: clinical testing. Allele origin: germline. Affected: yes.
Comment: Mosaic variant in a patient with an NLRP3-related autoinflammatory disorder in the literature, however, clinical details are not available (PMID: 39930093); Not observed at significant frequency in large population cohorts (gnomAD); In silico analysis supports that this missense variant has a deleterious effect on protein structure/function; Also known as I598F; This variant is associated with the following publications: (PMID: 39930093)

NM_001243133.2(NLRP3):c.1792A>T (p.Ile598Phe)

Gene: NLRP3 (NLR family pyrin domain containing 3; plus strand). Cytogenetic location: 1q44.
Variant type: single nucleotide variant.
Coding change: c.1792A>T on transcript NM_001243133.2 (MANE Select); coding-DNA position 1792, A replaced by T.
Protein change: p.Ile598Phe; replaces isoleucine 598 with phenylalanine.
Molecular consequence: missense variant.
Genome position (GRCh38, 1-based): chr1:247,425,241, A>T. VCF-style: chr1-247425241-A-T. GRCh37 (hg19) VCF-style: chr1-247588543-A-T.
Other names: c.1792A>T, p.Ile598Phe (NM_001079821.3, NM_001127461.3, NM_001127462.3 and 1 more transcripts); c.1798A>T, p.Ile600Phe (NM_004895.5); short protein forms I598F, I600F.
Identifiers: ClinVar variation 4527007 (VCV004527007.1).